The following is an entry in ClinVar:

ClinVar aggregate classification (germline): Uncertain significance (1 of 4 stars; one submission).

Conditions:
Inborn genetic diseases. Identifiers: MedGen C0950123, MeSH D030342.

Allele frequency attached by ClinVar (database versions not stated): gnomAD 0.00001.
gnomAD v4.1: 1 of 1,572,194 alleles (0.000064%); highest among the groups gnomAD compares: Admixed American, 0.0019%; no homozygotes.

Submission:

Ambry Genetics
Classification: Uncertain significance for Inborn genetic diseases. Last evaluated: 2021-06-01. Review status: criteria provided, single submitter. Criteria: Ambry Variant Classification Scheme 2023. Collection method: clinical testing. Allele origin: germline.
Comment: The c.109-4A>G intronic alteration consists of a A to G substitution 4 nucleotides before coding exon 2 in the NUBPL gene. Based on insufficient or conflicting evidence, the clinical significance of this alteration remains unclear.

NM_025152.3(NUBPL):c.109-4A>G

Gene: NUBPL (NUBP iron-sulfur cluster assembly factor, mitochondrial; plus strand). Cytogenetic location: 14q12.
Variant type: single nucleotide variant.
Coding change: c.109-4A>G on transcript NM_025152.3 (MANE Select); 4 bases into the intron before coding-DNA position 109, A replaced by G.
Molecular consequence: intron variant.
Genome position (GRCh38, 1-based): chr14:31,562,064, A>G. VCF-style: chr14-31562064-A-G. GRCh37 (hg19) VCF-style: chr14-32031270-A-G.
Identifiers: ClinVar variation 2230776 (VCV002230776.2), dbSNP rs2033298750, ClinGen allele CA961634943.
Genomic context (GRCh38, chr14:31,562,064, plus strand): 5'-TTTACAGTGTGATGATGGAGATGGCTTATTTAAAACGGCTTTTTATTATTATTATTTTTT[A>G]AAGTTGTCTGGCGCCGGGAGTGAGACCCTAAAACAAAGAAGAACACAAATCATGTCCCGA-3'